The following is an entry in ClinVar:

ClinVar aggregate classification (germline): Benign. Review status: criteria provided, multiple submitters, no conflicts (2 of 4 stars). 4 submissions from 3 submitters: Benign (4). Last evaluated 2021-05-10.

Conditions:
Dilated cardiomyopathy 1HH (CMD1HH). Identifiers: Orphanet 154, MedGen C3151293, MONDO:0013479, OMIM 613881.
Myofibrillar myopathy 6. Identifiers: Orphanet 199340, MedGen C2751831, MONDO:0013061, OMIM 612954.

Allele frequency attached by ClinVar (database versions not stated): 1000 Genomes Project 0.15315; 1000 Genomes Project 30x 0.15319; TOPMed 0.19104; gnomAD 0.19396 and 0.19554; gnomAD exomes 0.19537.

Submissions (4):

GeneDx
Classification: Benign. Last evaluated: 2021-05-10. Review status: criteria provided, single submitter. Criteria: GeneDx Variant Classification Process June 2021. Collection method: clinical testing. Allele origin: germline. Affected: yes.

Illumina Laboratory Services, Illumina
Classification: Benign for Myofibrillar myopathy 6. Last evaluated: 2018-01-13. Review status: criteria provided, single submitter. Criteria: ICSL Variant Classification Criteria 13 December 2019. Collection method: clinical testing. Allele origin: germline.
Comment: This variant was observed in the ICSL laboratory as part of a predisposition screen in an ostensibly healthy population. It had not been previously curated by ICSL or reported in the Human Gene Mutation Database (HGMD: prior to June 1st, 2018), and was therefore a candidate for classification through an automated scoring system. Utilizing variant allele frequency, disease prevalence and penetrance estimates, and inheritance mode, an automated score was calculated to assess if this variant is too frequent to cause the disease. Based on the score and internal cut-off values, a variant classified as benign is not then subjected to further curation. The score for this variant resulted in a classification of benign for this disease.

Illumina Laboratory Services, Illumina
Classification: Benign for Dilated cardiomyopathy 1HH. Last evaluated: 2018-01-13. Review status: criteria provided, single submitter. Criteria: ICSL Variant Classification Criteria 13 December 2019. Collection method: clinical testing. Allele origin: germline.
Comment: the same text as in the submission from Illumina Laboratory Services, Illumina above.

Breakthrough Genomics
Classification: Benign. Review status: criteria provided, single submitter. Criteria: ACMG Guidelines, 2015. Collection method: not provided. Allele origin: germline. Inheritance: Autosomal dominant inheritance. Affected: yes.

NM_004281.4(BAG3):c.*535A>G

Gene: BAG3 (BAG cochaperone 3; plus strand). Cytogenetic location: 10q26.11.
Variant type: single nucleotide variant.
Coding change: c.*535A>G on transcript NM_004281.4 (MANE Select); 535 bases downstream of the stop codon, A replaced by G.
Molecular consequence: 3 prime UTR variant.
Genome position (GRCh38, 1-based): chr10:119,677,817, A>G. VCF-style: chr10-119677817-A-G. GRCh37 (hg19) VCF-style: chr10-121437329-A-G.
Identifiers: ClinVar variation 298973 (VCV000298973.7), dbSNP rs11199065, ClinGen allele CA10628101.